The following is an entry in ClinVar:

ClinVar aggregate classification (germline): Uncertain significance (1 of 4 stars; one submission).

Conditions:
DICER1-related tumor predisposition. Also called: DICER1 syndrome; DICER1-related pleuropulmonary blastoma cancer predisposition syndrome. Identifiers: Orphanet 284343, MedGen C3839822, MONDO:0100216.

Submission:

Labcorp Genetics (formerly Invitae), Labcorp
Classification: Uncertain significance for DICER1-related tumor predisposition. Last evaluated: 2022-09-05. Review status: criteria provided, single submitter. Criteria: Invitae Variant Classification Sherloc (09022015). Collection method: clinical testing. Allele origin: germline.
Comment: This sequence change replaces leucine, which is neutral and non-polar, with phenylalanine, which is neutral and non-polar, at codon 838 of the DICER1 protein (p.Leu838Phe). This variant is not present in population databases (gnomAD no frequency). This variant has not been reported in the literature in individuals affected with DICER1-related conditions. Algorithms developed to predict the effect of missense changes on protein structure and function are either unavailable or do not agree on the potential impact of this missense change (SIFT: "Deleterious"; PolyPhen-2: "Probably Damaging"; Align-GVGD: "Class C0"). In summary, the available evidence is currently insufficient to determine the role of this variant in disease. Therefore, it has been classified as a Variant of Uncertain Significance.

NM_177438.3(DICER1):c.2514G>T (p.Leu838Phe)

Gene: DICER1 (dicer 1, ribonuclease III; minus strand). Cytogenetic location: 14q32.13.
Variant type: single nucleotide variant.
Coding change: c.2514G>T on transcript NM_177438.3 (MANE Select); coding-DNA position 2514, G replaced by T.
Protein change: p.Leu838Phe; replaces leucine 838 with phenylalanine.
Molecular consequence: missense variant. On other transcripts: non-coding transcript variant (6).
Genome position (GRCh38, 1-based): chr14:95,108,016, C>A on the plus strand (G>T on the coding strand, the complement: DICER1 is on the minus strand). VCF-style: chr14-95108016-C-A. GRCh37 (hg19) VCF-style: chr14-95574353-C-A.
Other names: c.2514G>T, p.Leu838Phe (NM_001195573.1, NM_001271282.3, NM_001291628.2 and 13 more transcripts); c.2232G>T, p.Leu744Phe (NM_001395686.1); c.2109G>T, p.Leu703Phe (NM_001395687.1, NM_001395688.1, NM_001395689.1 and 2 more transcripts); c.1947G>T, p.Leu649Phe (NM_001395691.1); c.831G>T, p.Leu277Phe (NM_001395697.1); short protein forms L277F, L649F, L703F, L744F, L838F.
Identifiers: ClinVar variation 1718884 (VCV001718884.6), dbSNP rs2542841963, ClinGen allele CA390881863.